The following is an entry in ClinVar:

NM_003579.4(RAD54L):c.2224G>A (p.Glu742Lys)

Genes: LRRC41 (leucine rich repeat containing 41; minus strand), RAD54L (RAD54 like; plus strand). Cytogenetic location: 1p34.1.
Variant type: single nucleotide variant.
Coding change: c.2224G>A on transcript NM_003579.4 (MANE Select); coding-DNA position 2224, G replaced by A.
Protein change: p.Glu742Lys; replaces glutamic acid 742 with lysine.
Molecular consequence: missense variant. On other transcripts: 3 prime UTR variant (1).
Genome position (GRCh38, 1-based): chr1:46,278,262, G>A. VCF-style: chr1-46278262-G-A. GRCh37 (hg19) VCF-style: chr1-46743934-G-A.
Other names: c.*603C>T (NM_006369.5); c.2224G>A, p.Glu742Lys (NM_001142548.2); c.1684G>A, p.Glu562Lys (NM_001370766.1); short protein forms E742K, E562K.
Identifiers: ClinVar variation 3429790 (VCV003429790.1).
Genomic context (GRCh38, chr1:46,278,262, plus strand): 5'-GCTGCCTGGGATGCTGCCTCCACTGCCATCACCTTCGTCTTCCACCAGCGTTCTCATGAG[G>A]AGCAGCGGGGCCTCCGCTGATAACCAGCTGGTCTGGGTGTAGCTCTTAGAGGAAGGAGAT-3'
Protein context (NP_003570.2, residues 732-747): TFVFHQRSHE[Glu742Lys]QRGLR

ClinVar aggregate classification (germline): Uncertain significance (1 of 4 stars; one submission).

Submission:

Ambry Genetics
Classification: Uncertain significance. Last evaluated: 2024-06-26. Review status: criteria provided, single submitter. Criteria: Ambry Variant Classification Scheme 2023. Collection method: clinical testing. Allele origin: germline.
Comment: The p.E742K variant (also known as c.2224G>A), located in coding exon 18 of the RAD54L gene, results from a G to A substitution at nucleotide position 2224. The glutamic acid at codon 742 is replaced by lysine, an amino acid with similar properties. This amino acid position is conserved. In addition, the in silico prediction for this alteration is inconclusive. Based on the available evidence, the clinical significance of this variant remains unclear.